The following is an entry in ClinVar:

NM_000334.4(SCN4A):c.4823G>C (p.Ser1608Thr)

Genes: GH-LCR (growth hormone locus control region; plus strand), SCN4A (sodium voltage-gated channel alpha subunit 4; minus strand). Cytogenetic location: 17q23.3.
Variant type: single nucleotide variant.
Coding change: c.4823G>C on transcript NM_000334.4 (MANE Select); coding-DNA position 4823, G replaced by C.
Protein change: p.Ser1608Thr; replaces serine 1608 with threonine.
Molecular consequence: missense variant.
Genome position (GRCh38, 1-based): chr17:63,941,459, C>G on the plus strand (G>C on the coding strand, the complement: SCN4A is on the minus strand). VCF-style: chr17-63941459-C-G. GRCh37 (hg19) VCF-style: chr17-62018819-C-G.
Other names: short protein forms S1608T.
Identifiers: ClinVar variation 853096 (VCV000853096.10), dbSNP rs1908528535, ClinGen allele CA400614894.
Genomic context (GRCh38, chr17:63,941,459, plus strand): 5'-TCGAACTTCTCCCATGTCTCGTAGAACATCTCAAAGTCATCTTCACCAAGGGGCTCGCTG[C>G]TCTCCTCTGTGGCCACATTGAAGTTCTCCAGGATGATGGCGATGTACATGTTGACCACGA-3'
Protein context (NP_000325.4, residues 1598-1618): LENFNVATEE[Ser1608Thr]SEPLGEDDFE

ClinVar aggregate classification (germline): Uncertain significance (1 of 4 stars; one submission).

Conditions:
Hyperkalemic periodic paralysis. Also called: Familial hyperkalemic periodic paralysis; Gamstorp disease. Identifiers: Orphanet 682, MedGen C0238357, MONDO:0008224, OMIM 170500, HP:0007215.

Submission:

Labcorp Genetics (formerly Invitae), Labcorp
Classification: Uncertain significance for Hyperkalemic periodic paralysis. Last evaluated: 2023-12-07. Review status: criteria provided, single submitter. Criteria: Invitae Variant Classification Sherloc (09022015). Collection method: clinical testing. Allele origin: germline.
Comment: This sequence change replaces serine, which is neutral and polar, with threonine, which is neutral and polar, at codon 1608 of the SCN4A protein (p.Ser1608Thr). This variant is not present in population databases (gnomAD no frequency). This variant has not been reported in the literature in individuals affected with SCN4A-related conditions. ClinVar contains an entry for this variant (Variation ID: 853096). Advanced modeling of protein sequence and biophysical properties (such as structural, functional, and spatial information, amino acid conservation, physicochemical variation, residue mobility, and thermodynamic stability) performed at Invitae indicates that this missense variant is expected to disrupt SCN4A protein function with a positive predictive value of 95%. In summary, the available evidence is currently insufficient to determine the role of this variant in disease. Therefore, it has been classified as a Variant of Uncertain Significance.